The following is an entry in ClinVar:

NM_001365951.3(KIF1B):c.3304G>A (p.Gly1102Arg)

Gene: KIF1B (kinesin family member 1B; plus strand). Cytogenetic location: 1p36.22.
Variant type: single nucleotide variant.
Coding change: c.3304G>A on transcript NM_001365951.3 (MANE Select); coding-DNA position 3304, G replaced by A.
Protein change: p.Gly1102Arg; replaces glycine 1102 with arginine.
Molecular consequence: missense variant.
Genome position (GRCh38, 1-based): chr1:10,337,415, G>A. VCF-style: chr1-10337415-G-A. GRCh37 (hg19) VCF-style: chr1-10397473-G-A.
Other names: c.3304G>A, p.Gly1102Arg (NM_001365952.1); c.3166G>A, p.Gly1056Arg (NM_015074.3); short protein forms G1056R, G1102R.
Identifiers: ClinVar variation 1319765 (VCV001319765.6), dbSNP rs751916846, ClinGen allele CA338340404.

ClinVar aggregate classification (germline): Uncertain significance. Review status: criteria provided, multiple submitters, no conflicts (2 of 4 stars). 2 submissions from 2 submitters: Uncertain significance (2). Last evaluated 2024-04-11.

gnomAD v4.1: 3 of 1,614,208 alleles (0.00019%); highest among the groups gnomAD compares: Non-Finnish European, 0.00025%; no homozygotes.

Submissions (2):

Ambry Genetics
Classification: Uncertain significance. Last evaluated: 2024-04-11. Review status: criteria provided, single submitter. Criteria: Ambry Variant Classification Scheme 2023. Collection method: clinical testing. Allele origin: germline.
Comment: The p.G1056R variant (also known as c.3166G>A), located in coding exon 28 of the KIF1B gene, results from a G to A substitution at nucleotide position 3166. The glycine at codon 1056 is replaced by arginine, an amino acid with dissimilar properties. This amino acid position is conserved. In addition, this alteration is predicted to be deleterious by in silico analysis. Since supporting evidence is limited at this time, the clinical significance of this alteration remains unclear.

Institute for Clinical Genetics, University Hospital TU Dresden, University Hospital TU Dresden
Classification: Uncertain significance. Last evaluated: 2021-11-03. Review status: criteria provided, single submitter. Criteria: ACMG Guidelines, 2015. Collection method: clinical testing. Allele origin: germline.